The following is an entry in ClinVar:

NM_003072.5(SMARCA4):c.845A>G (p.Lys282Arg)

Gene: SMARCA4 (SWI/SNF related BAF chromatin remodeling complex subunit ATPase 4; plus strand). Cytogenetic location: 19p13.2.
Variant type: single nucleotide variant.
Coding change: c.845A>G on transcript NM_003072.5 (MANE Select); coding-DNA position 845, A replaced by G.
Protein change: p.Lys282Arg; replaces lysine 282 with arginine.
Molecular consequence: missense variant. On other transcripts: non-coding transcript variant (1).
Genome position (GRCh38, 1-based): chr19:10,986,989, A>G. VCF-style: chr19-10986989-A-G. GRCh37 (hg19) VCF-style: chr19-11097665-A-G.
Other names: c.845A>G, p.Lys282Arg (NM_001128844.3, NM_001128845.2, NM_001128846.2 and 6 more transcripts); short protein forms K282R.
Identifiers: ClinVar variation 5029891 (VCV005029891.1).

ClinVar aggregate classification (germline): Uncertain significance (1 of 4 stars; one submission).

Conditions:
Hereditary cancer-predisposing syndrome. Also called: Neoplastic Syndromes, Hereditary; Tumor predisposition; Hereditary neoplastic syndrome; Hereditary Cancer Syndrome. Identifiers: Orphanet 140162, MedGen C0027672, MeSH D009386, MONDO:0015356.

Submission:

Ambry Genetics
Classification: Uncertain significance for Hereditary cancer-predisposing syndrome. Last evaluated: 2026-08-28. Review status: criteria provided, single submitter. Criteria: Ambry Variant Classification Scheme 2023. Collection method: clinical testing. Allele origin: germline.
Comment: The p.K282R variant (also known as c.845A>G), located in coding exon 4 of the SMARCA4 gene, results from an A to G substitution at nucleotide position 845. The lysine at codon 282 is replaced by arginine, an amino acid with highly similar properties. This amino acid position is conserved. In addition, the in silico prediction for this alteration is inconclusive. Based on the available evidence, the clinical significance of this variant remains unclear.